The following is an entry in ClinVar:

ClinVar aggregate classification (germline): Uncertain significance (1 of 4 stars; one submission).

Conditions:
Fanconi anemia (FA). Also called: Fanconi's anemia. Identifiers: Orphanet 84, MedGen C0015625, MeSH D005199, MONDO:0019391.

gnomAD v4.1: 1 of 1,614,168 alleles (0.000062%); highest among the groups gnomAD compares: African/African-American, 0.0013%; no homozygotes.

Submission:

Labcorp Genetics (formerly Invitae), Labcorp
Classification: Uncertain significance for Fanconi anemia. Last evaluated: 2025-08-11. Review status: criteria provided, single submitter. Criteria: Invitae Variant Classification Sherloc (09022015). Collection method: clinical testing. Allele origin: germline.
Comment: This sequence change replaces lysine, which is basic and polar, with threonine, which is neutral and polar, at codon 1732 of the FANCM protein (p.Lys1732Thr). This variant is not present in population databases (gnomAD no frequency). This variant has not been reported in the literature in individuals affected with FANCM-related conditions. An algorithm developed to predict the effect of missense changes on protein structure and function (PolyPhen-2) suggests that this variant is likely to be tolerated. In summary, the available evidence is currently insufficient to determine the role of this variant in disease. Therefore, it has been classified as a Variant of Uncertain Significance.

NM_020937.4(FANCM):c.5195A>C (p.Lys1732Thr)

Gene: FANCM (FA complementation group M; plus strand). Cytogenetic location: 14q21.2.
Variant type: single nucleotide variant.
Coding change: c.5195A>C on transcript NM_020937.4 (MANE Select); coding-DNA position 5195, A replaced by C.
Protein change: p.Lys1732Thr; replaces lysine 1732 with threonine.
Molecular consequence: missense variant.
Genome position (GRCh38, 1-based): chr14:45,189,217, A>C. VCF-style: chr14-45189217-A-C. GRCh37 (hg19) VCF-style: chr14-45658420-A-C.
Other names: c.5117A>C, p.Lys1706Thr (NM_001308133.2); short protein forms K1706T, K1732T.
Identifiers: ClinVar variation 4696259 (VCV004696259.1).